The following is an entry in ClinVar:

ClinVar aggregate classification (germline): Uncertain significance (1 of 4 stars; one submission).

Conditions:
TGM6-related disorder. Also called: TGM6-related condition.

gnomAD v4.1: 2 of 1,614,210 alleles (0.00012%); highest among the groups gnomAD compares: South Asian, 0.0011%; no homozygotes.

Submission:

PreventionGenetics, part of Exact Sciences
Classification: Uncertain significance for TGM6-related condition. Last evaluated: 2024-12-02. Review status: criteria provided, single submitter. Criteria: ACMG Guidelines, 2015. Collection method: clinical testing. Allele origin: germline.
Comment: The TGM6 c.451G>A variant is predicted to result in the amino acid substitution p.Glu151Lys. To our knowledge, this variant has not been reported in the literature. This variant is absent from one large public population database (gnomAD), indicating that this variant is rare in the general population. At this time, the clinical significance of this variant is uncertain due to the absence of conclusive functional and genetic evidence.

NM_198994.3(TGM6):c.451G>A (p.Glu151Lys)

Gene: TGM6 (transglutaminase 6; plus strand). Cytogenetic location: 20p13.
Variant type: single nucleotide variant.
Coding change: c.451G>A on transcript NM_198994.3 (MANE Select); coding-DNA position 451, G replaced by A.
Protein change: p.Glu151Lys; replaces glutamic acid 151 with lysine.
Molecular consequence: missense variant.
Genome position (GRCh38, 1-based): chr20:2,396,532, G>A. VCF-style: chr20-2396532-G-A. GRCh37 (hg19) VCF-style: chr20-2377178-G-A.
Other names: c.451G>A, p.Glu151Lys (NM_001254734.2); short protein forms E151K.
Identifiers: ClinVar variation 5002280 (VCV005002280.1).